The following is an entry in ClinVar:

ClinVar aggregate classification (germline): Uncertain significance. Review status: criteria provided, multiple submitters, no conflicts (2 of 4 stars). 4 submissions from 4 submitters: Uncertain significance (4). Last evaluated 2025-06-20.

Conditions:
PEX6-related disorder. Also called: PEX6-related condition; PEX6-related disorders.
Peroxisome biogenesis disorder. Identifiers: Orphanet 79189, MedGen C1832200, MONDO:0019234. Disease mechanism: loss of function.
Peroxisome biogenesis disorder 4A (Zellweger) (PBD4A). Also called: Zellweger syndrome spectrum (PEX6-related). Identifiers: Orphanet 912, MedGen C3553936, MONDO:0013930, OMIM 614862. Disease mechanism: loss of function.

Allele frequency attached by ClinVar (database versions not stated): ExAC 0.00010.
gnomAD v4.1: 17 of 1,508,692 alleles (0.0011%); highest among the groups gnomAD compares: Middle Eastern, 0.023%; no homozygotes.

Submissions (4):

ARUP Laboratories, Molecular Genetics and Genomics, ARUP Laboratories
Classification: Uncertain significance. Last evaluated: 2025-06-20. Review status: criteria provided, single submitter. Criteria: ARUP Molecular Germline Variant Investigation Process 2024. Collection method: clinical testing. Allele origin: germline.
Comment: The PEX6 c.302C>G; p.Pro101Arg variant (rs774813175), to our knowledge, is not reported in the medical literature but is reported in ClinVar (Variation ID: 911354). This variant is only observed on three alleles in the Genome Aggregation Database (v2.1.1), indicating it is not a common polymorphism. Computational analyses are uncertain whether this variant is neutral or deleterious (REVEL: 0.607). Due to limited information, the clinical significance of this variant is uncertain at this time.

PreventionGenetics, part of Exact Sciences
Classification: Uncertain significance for PEX6-related condition. Last evaluated: 2024-10-07. Review status: criteria provided, single submitter. Criteria: ACMG Guidelines, 2015. Collection method: clinical testing. Allele origin: germline.
Comment: The PEX6 c.302C>G variant is predicted to result in the amino acid substitution p.Pro101Arg. To our knowledge, this variant has not been reported in the literature. This variant is reported in 0.0052% of alleles in individuals of South Asian descent in gnomAD. At this time, the clinical significance of this variant is uncertain due to the absence of conclusive functional and genetic evidence.

Labcorp Genetics (formerly Invitae), Labcorp
Classification: Uncertain significance for Peroxisome biogenesis disorder. Last evaluated: 2024-02-17. Review status: criteria provided, single submitter. Criteria: Invitae Variant Classification Sherloc (09022015). Collection method: clinical testing. Allele origin: germline.
Comment: This sequence change replaces proline, which is neutral and non-polar, with arginine, which is basic and polar, at codon 101 of the PEX6 protein (p.Pro101Arg). The frequency data for this variant in the population databases is considered unreliable, as metrics indicate poor data quality at this position in the gnomAD database. This variant has not been reported in the literature in individuals affected with PEX6-related conditions. ClinVar contains an entry for this variant (Variation ID: 911354). An algorithm developed to predict the effect of missense changes on protein structure and function (PolyPhen-2) suggests that this variant is likely to be disruptive. In summary, the available evidence is currently insufficient to determine the role of this variant in disease. Therefore, it has been classified as a Variant of Uncertain Significance.

Illumina Laboratory Services, Illumina
Classification: Uncertain significance for Peroxisome biogenesis disorder 4A (Zellweger). Last evaluated: 2018-01-12. Review status: criteria provided, single submitter. Criteria: ICSL Variant Classification Criteria 13 December 2019. Collection method: clinical testing. Allele origin: germline.

NM_000287.4(PEX6):c.302C>G (p.Pro101Arg)

Gene: PEX6 (peroxisomal biogenesis factor 6; minus strand). Cytogenetic location: 6p21.1.
Variant type: single nucleotide variant.
Coding change: c.302C>G on transcript NM_000287.4 (MANE Select); coding-DNA position 302, C replaced by G.
Protein change: p.Pro101Arg; replaces proline 101 with arginine.
Molecular consequence: missense variant. On other transcripts: non-coding transcript variant (1).
Genome position (GRCh38, 1-based): chr6:42,978,849, G>C on the plus strand (C>G on the coding strand, the complement: PEX6 is on the minus strand). VCF-style: chr6-42978849-G-C. GRCh37 (hg19) VCF-style: chr6-42946587-G-C.
Other names: c.302C>G, p.Pro101Arg (NM_001316313.2); short protein forms P101R.
Identifiers: ClinVar variation 911354 (VCV000911354.8), dbSNP rs774813175, ClinGen allele CA3811637.
Genomic context (GRCh38, chr6:42,978,849, plus strand): 5'-CCGACTCGCGGTCCGAGCCCAGGCCCCAGCGAGGTGCCAAGCAGTGCCCAACCTAGCGCC[G>C]GGGGCCGCCGCACCGCCCGCGCCCGCACCCAGGCCCCGGAGCCCAGTGCCAGGAGCCGCA-3'
Protein context (NP_000278.3, residues 91-111): WVRARAVRRP[Pro101Arg]ALGWALLGTS